The following is an entry in ClinVar:

NM_172107.4(KCNQ2):c.1680_1684dup (p.Tyr562fs)

Gene: KCNQ2 (potassium voltage-gated channel subfamily Q member 2; minus strand). Cytogenetic location: 20q13.33.
Variant type: Duplication.
Coding change: c.1680_1684dup on transcript NM_172107.4 (MANE Select); coding-DNA positions 1680 to 1684, 5 bases duplicated (GCCCT; older notation c.1680_1684dupGCCCT).
Protein change: p.Tyr562fs; shifts the reading frame from tyrosine 562.
Molecular consequence: frameshift variant.
Genome position (GRCh38, 1-based): chr20:63,413,529-63,413,533, AGGGC duplicated on the plus strand (GCCCT on the coding strand, the reverse complement: KCNQ2 is on the minus strand). VCF-style (leftmost placement, unchanged base first): chr20-63413528-T-TAGGGC. GRCh37 (hg19) VCF-style: chr20-62044881-T-TAGGGC.
Other names: c.1596_1600dup, p.Tyr534fs (NM_004518.6); c.1626_1630dup, p.Tyr544fs (NM_172106.3); c.1587_1591dup, p.Tyr531fs (NM_172108.5); c.1684_1685dupGCCCT (NM_172107.2); short protein forms Y531fs, Y544fs, Y562fs, Y534fs.
Identifiers: ClinVar variation 375002 (VCV000375002.1), dbSNP rs118192231, ClinGen allele CA340675.

ClinVar aggregate classification (germline): Pathogenic. Review status: no assertion criteria provided (0 of 4 stars). 2 submissions from 2 submitters: Pathogenic (2). Last evaluated 2016-03-31.

Conditions:
Seizures, benign familial neonatal, 1. Also called: KCNQ2-Related Benign Familial Neonatal Epilepsy; Benign Neonatal Epilepsy 1; KCNQ2-Related Self-Limited Familial Neonatal Epilepsy (SLFNE); Seizures, benign neonatal, 1. Identifiers: Orphanet 1949, MedGen C3149074, MONDO:0007365, OMIM 121200.

Submissions (2):

GeneReviews
Classification: Pathogenic for Seizures, benign familial neonatal, 1. Last evaluated: 2016-03-31. Review status: no assertion criteria provided. Collection method: literature only. Allele origin: germline. Affected: yes.
Comment: BFNE (benign familial neonatal epilepsy)

Functional effect: Lack of functional homomeric channels; reduction maximal current amplitude of heteromeric channels

OMIM
Classification: Pathogenic for SEIZURES, BENIGN FAMILIAL NEONATAL, 1. Last evaluated: 1998-01-16. Review status: no assertion criteria provided. Collection method: literature only. Allele origin: germline.

Literature cited by the submitters: PubMed 9430594 (cited by GeneReviews and OMIM); PubMed 25982755 (cited by GeneReviews); PubMed 7980108 (cited by OMIM).